The following is an entry in ClinVar:

ClinVar aggregate classification (germline): Conflicting classifications of pathogenicity. Review status: criteria provided, conflicting classifications (1 of 4 stars). 6 submissions from 6 submitters: Uncertain significance (1); Likely benign (4). 1 of the submissions does not count toward it. Last evaluated 2026-02-04.

Conditions:
Sialidosis type 2. Also called: NEURAMINIDASE DEFICIENCY; LIPOMUCOPOLYSACCHARIDOSIS; ML I; NEU DEFICIENCY; NEUG DEFICIENCY; NEURAMINIDASE 1 DEFICIENCY. Identifiers: Orphanet 812, Orphanet 87876, MedGen C4282398, MONDO:0009738, OMIM 256550.

Allele frequency attached by ClinVar (database versions not stated): 1000 Genomes Project 0.00060; 1000 Genomes Project 30x 0.00078; TOPMed 0.00095; gnomAD exomes 0.00096 and 0.00184; gnomAD 0.00102 and 0.00106; ExAC 0.00111; ESP Exome Variant Server 0.00154.

Submissions (6):

Labcorp Genetics (formerly Invitae), Labcorp
Classification: Likely benign. Last evaluated: 2026-02-04. Review status: criteria provided, single submitter. Criteria: Invitae Variant Classification Sherloc (09022015). Collection method: clinical testing. Allele origin: germline.

CeGaT Center for Human Genetics Tuebingen
Classification: Likely benign. Last evaluated: 2025-12-01. Review status: criteria provided, single submitter. Criteria: CeGaT Center For Human Genetics Tuebingen Variant Classification Criteria Version 2. Collection method: clinical testing. Allele origin: germline. Affected: yes. Observed: 4 variant alleles.
Comment: NEU1: BP4, BP7

Women's Health and Genetics/Laboratory Corporation of America, LabCorp
Classification: Likely benign. Last evaluated: 2025-11-19. Review status: criteria provided, single submitter. Criteria: LabCorp Variant Classification Summary - May 2015. Collection method: clinical testing. Allele origin: germline.

Blueprint Genetics
Classification: Likely benign. Last evaluated: 2024-11-26. Review status: criteria provided, single submitter. Criteria: ACMG Guidelines, 2015. Collection method: clinical testing. Allele origin: germline.

Illumina Laboratory Services, Illumina
Classification: Uncertain significance for Sialidosis type 2. Last evaluated: 2018-01-12. Review status: criteria provided, single submitter. Criteria: ICSL Variant Classification Criteria 13 December 2019. Collection method: clinical testing. Allele origin: germline.

Mayo Clinic Laboratories, Mayo Clinic
Classification: Likely benign. Last evaluated: 2017-06-28. Review status: no assertion criteria provided. Collection method: clinical testing. Allele origin: unknown. Not counted in ClinVar's aggregate classification.

NM_000434.4(NEU1):c.408G>A (p.Gly136=)

Gene: NEU1 (neuraminidase 1; minus strand). Cytogenetic location: 6p21.33.
Variant type: single nucleotide variant.
Coding change: c.408G>A on transcript NM_000434.4 (MANE Select); coding-DNA position 408, G replaced by A.
Protein change: p.Gly136=; no amino-acid change (glycine 136 retained).
Molecular consequence: synonymous variant.
Genome position (GRCh38, 1-based): chr6:31,861,395, C>T on the plus strand (G>A on the coding strand, the complement: NEU1 is on the minus strand). VCF-style: chr6-31861395-C-T. GRCh37 (hg19) VCF-style: chr6-31829172-C-T.
Identifiers: ClinVar variation 559022 (VCV000559022.43), dbSNP rs41267074, ClinGen allele CA3725033.